The following is an entry in ClinVar:

NM_022124.6(CDH23):c.9617G>A (p.Arg3206His)

Gene: CDH23 (cadherin related 23; plus strand). Cytogenetic location: 10q22.1.
Variant type: single nucleotide variant.
Coding change: c.9617G>A on transcript NM_022124.6 (MANE Select); coding-DNA position 9617, G replaced by A.
Protein change: p.Arg3206His; replaces arginine 3206 with histidine.
Molecular consequence: missense variant.
Genome position (GRCh38, 1-based): chr10:71,812,874, G>A. VCF-style: chr10-71812874-G-A. GRCh37 (hg19) VCF-style: chr10-73572631-G-A.
Other names: c.2897G>A, p.Arg966His (NM_001171933.1, NM_001171934.1); c.308G>A, p.Arg103His (NM_001171935.1, NM_001171936.1); short protein forms R3206H, R103H, R966H.
Identifiers: ClinVar variation 162957 (VCV000162957.16), dbSNP rs374156784, ClinGen allele CA175535.

ClinVar aggregate classification (germline): Conflicting classifications of pathogenicity. Review status: criteria provided, conflicting classifications (1 of 4 stars). 6 submissions from 6 submitters: Uncertain significance (4); Likely benign (1). 1 of the submissions does not count toward it. Last evaluated 2025-10-09.

Conditions:
CDH23-related disorder. Also called: CDH23-related condition; CDH23-related disorders.
Usher syndrome type 1 (USH1). Also called: RETINITIS PIGMENTOSA AND CONGENITAL DEAFNESS. Identifiers: Orphanet 231169, Orphanet 886, MedGen C1568247, MONDO:0010168, OMIM 276900.

Allele frequency attached by ClinVar (database versions not stated): 1000 Genomes Project 30x 0.00016; gnomAD exomes 0.00017; 1000 Genomes Project 0.00020; ExAC 0.00020; gnomAD 0.00029 and 0.00034; ESP Exome Variant Server 0.00032; TOPMed 0.00048.
gnomAD v4.1: 166 of 1,613,604 alleles (0.01%); highest among the groups gnomAD compares: African/African-American, 0.1%; no homozygotes.

Submissions (6):

Labcorp Genetics (formerly Invitae), Labcorp
Classification: Likely benign. Last evaluated: 2025-10-09. Review status: criteria provided, single submitter. Criteria: Invitae Variant Classification Sherloc (09022015). Collection method: clinical testing. Allele origin: germline.

PreventionGenetics, part of Exact Sciences
Classification: Uncertain significance for CDH23-related condition. Last evaluated: 2025-04-19. Review status: criteria provided, single submitter. Criteria: ACMG Guidelines, 2015. Collection method: clinical testing. Allele origin: germline.
Comment: The CDH23 c.9617G>A variant is predicted to result in the amino acid substitution p.Arg3206His. This variant was reported along with a second potentially causative CDH23 variant in an individual with retinitis pigmentosa, although this patient also had a positive diagnosis in ABCA4 (Liu et al. 2020. PubMed ID: 32090030). This variant was also reported in the homozygous state in a patient with hearing loss (described as p.Arg966His, Table S2, Abolhassani et al. 2024. PubMed ID: 38374194). This variant is reported in 0.095% of alleles in individuals of African descent in gnomAD. Although we suspect that this variant may be pathogenic, at this time, the clinical significance of this variant is uncertain due to the absence of conclusive functional and genetic evidence.

GeneDx
Classification: Uncertain significance. Last evaluated: 2023-10-19. Review status: criteria provided, single submitter. Criteria: GeneDx Variant Classification Process June 2021. Collection method: clinical testing. Allele origin: germline. Affected: yes.
Comment: Identified in a patient with retinal dystrophy who also had variants in the ABCA4 gene (PMID: 32090030); In silico analysis supports that this missense variant does not alter protein structure/function; This variant is associated with the following publications: (PMID: Li[article]2022, 32090030)

Blueprint Genetics
Classification: Uncertain significance. Last evaluated: 2021-08-25. Review status: criteria provided, single submitter. Criteria: ACMG Guidelines, 2015. Collection method: clinical testing. Allele origin: germline.

Laboratory for Molecular Medicine, Mass General Brigham Personalized Medicine
Classification: Uncertain significance. Last evaluated: 2014-03-15. Review status: criteria provided, single submitter. Criteria: LMM Criteria. Collection method: clinical testing. Allele origin: germline. Observed: 1 variant allele.
Comment: The Arg3206His variant in CDH23 has not been previously reported in individuals with hearing loss, but has been identified in 0.1% (4/4142) of African American chromosomes by the NHLBI Exome Sequencing Project (EVS/; dbSNP rs374156784). Computational prediction tools and conservation analys es do not provide strong support for or against an impact to the protein. In sum mary, additional information is needed to determine the clinical significance of this variant.

Natera, Inc.
Classification: Uncertain significance for Usher syndrome type 1. Last evaluated: 2019-10-28. Review status: no assertion criteria provided. Collection method: clinical testing. Allele origin: germline. Not counted in ClinVar's aggregate classification.